The following is an entry in ClinVar:

ClinVar aggregate classification (germline): Conflicting classifications of pathogenicity. Review status: criteria provided, conflicting classifications (1 of 4 stars). 3 submissions from 3 submitters: Uncertain significance (2); Likely benign (1). Last evaluated 2026-03-03.

Conditions:
Hereditary cancer-predisposing syndrome. Also called: Neoplastic Syndromes, Hereditary; Tumor predisposition; Hereditary Cancer Syndrome; Hereditary neoplastic syndrome. Identifiers: Orphanet 140162, MedGen C0027672, MeSH D009386, MONDO:0015356.
Gastrointestinal stromal tumor. Also called: Gastrointestinal stromal tumor, somatic; Gastrointestinal stroma tumor. Identifiers: Orphanet 44890, MedGen C0238198, MeSH D046152, MONDO:0011719, OMIM 606764, HP:0100723.
Piebaldism. Also called: Piebald skin depigmentation. Identifiers: Orphanet 2884, MedGen C0080024, MONDO:0008244, OMIM 172800, HP:0007544.

Allele frequency attached by ClinVar (database versions not stated): gnomAD exomes below 0.00001.
gnomAD v4.1: 1 of 1,613,852 alleles (0.000062%); highest among the groups gnomAD compares: Non-Finnish European, 0.000085%; no homozygotes.

Submissions (3):

Centre for Medical Genetics,  Mumbai
Classification: Likely benign for Piebaldism. Last evaluated: 2026-03-03. Review status: criteria provided, single submitter. Criteria: ACMG Guidelines, 2015. Collection method: provider interpretation. Allele origin: germline. Inheritance: Autosomal dominant inheritance. Affected: no. Observed: 1 variant allele, 1 heterozygote.
Comment: The variant satisfies PM2 criteria; Extremely low frequency in gnomAD population databases. However, the variant satisfies BS2 criteria.

Ambry Genetics
Classification: Uncertain significance for Hereditary cancer-predisposing syndrome. Last evaluated: 2025-09-15. Review status: criteria provided, single submitter. Criteria: Ambry Variant Classification Scheme 2023. Collection method: clinical testing. Allele origin: germline.
Comment: The p.F392L variant (also known as c.1176C>G), located in coding exon 7 of the KIT gene, results from a C to G substitution at nucleotide position 1176. The phenylalanine at codon 392 is replaced by leucine, an amino acid with highly similar properties. This amino acid position is highly conserved in available vertebrate species. In addition, the in silico prediction for this alteration is inconclusive. Based on the available evidence, the clinical significance of this variant remains unclear.

Labcorp Genetics (formerly Invitae), Labcorp
Classification: Uncertain significance for Gastrointestinal stromal tumor. Last evaluated: 2025-06-22. Review status: criteria provided, single submitter. Criteria: Invitae Variant Classification Sherloc (09022015). Collection method: clinical testing. Allele origin: germline.
Comment: This sequence change replaces phenylalanine, which is neutral and non-polar, with leucine, which is neutral and non-polar, at codon 392 of the KIT protein (p.Phe392Leu). This variant is present in population databases (no rsID available, gnomAD 0.0009%). This variant has not been reported in the literature in individuals affected with KIT-related conditions. ClinVar contains an entry for this variant (Variation ID: 847493). An algorithm developed to predict the effect of missense changes on protein structure and function (PolyPhen-2) suggests that this variant is likely to be disruptive. In summary, the available evidence is currently insufficient to determine the role of this variant in disease. Therefore, it has been classified as a Variant of Uncertain Significance.

Literature cited by the submitters: PubMed 1717985 (cited by Centre for Medical Genetics,  Mumbai).

NM_000222.3(KIT):c.1176C>G (p.Phe392Leu)

Gene: KIT (KIT proto-oncogene, receptor tyrosine kinase; plus strand). Cytogenetic location: 4q12.
Variant type: single nucleotide variant.
Coding change: c.1176C>G on transcript NM_000222.3 (MANE Select); coding-DNA position 1176, C replaced by G.
Protein change: p.Phe392Leu; replaces phenylalanine 392 with leucine.
Molecular consequence: missense variant.
Genome position (GRCh38, 1-based): chr4:54,709,484, C>G. VCF-style: chr4-54709484-C-G. GRCh37 (hg19) VCF-style: chr4-55575650-C-G.
Other names: c.1176C>G, p.Phe392Leu (NM_001093772.2, NM_001385285.1, NM_001385286.1); c.1179C>G, p.Phe393Leu (NM_001385284.1, NM_001385288.1, NM_001385290.1 and 1 more transcripts); short protein forms F392L, F393L.
Identifiers: ClinVar variation 847493 (VCV000847493.10), dbSNP rs1212358569, ClinGen allele CA356902373.